The following is an entry in ClinVar:

ClinVar aggregate classification (germline): Pathogenic (1 of 4 stars; one submission).

Conditions:
Inborn genetic diseases. Identifiers: MedGen C0950123, MeSH D030342.

Submission:

Ambry Genetics
Classification: Pathogenic for Inborn genetic diseases. Last evaluated: 2025-08-25. Review status: criteria provided, single submitter. Criteria: Ambry Variant Classification Scheme 2023. Collection method: clinical testing. Allele origin: germline.
Comment: The c.3085delG (p.A1029Pfs*26) alteration, located in exon 20 (coding exon 20) of the KDM5C gene, consists of a deletion of one nucleotide at position 3085, causing a translational frameshift with a predicted alternate stop codon after 26 amino acids. This alteration is expected to result in loss of function by premature protein truncation or nonsense-mediated mRNA decay. This variant was not reported in population-based cohorts in the Genome Aggregation Database (gnomAD). Based on the available evidence, this alteration is classified as pathogenic.

NM_004187.5(KDM5C):c.3085del (p.Ala1029fs)

Gene: KDM5C (lysine demethylase 5C; minus strand). Cytogenetic location: Xp11.22.
Variant type: Deletion.
Coding change: c.3085del on transcript NM_004187.5 (MANE Select); coding-DNA position 3085, one base deleted (G; older notation c.3085delG).
Protein change: p.Ala1029fs; shifts the reading frame from alanine 1029.
Molecular consequence: frameshift variant. On other transcripts: non-coding transcript variant (3).
Genome position (GRCh38, 1-based): chrX:53,195,951, C deleted on the plus strand (G on the coding strand, the reverse complement: KDM5C is on the minus strand); the first of 2 consecutive C bases (chrX:53,195,951-53,195,952); deleting either gives the same sequence. VCF-style (leftmost placement, unchanged base first): chrX-53195950-GC-G. GRCh37 (hg19) VCF-style: chrX-53225132-GC-G.
Other names: c.2884del, p.Ala962fs (NM_001146702.2); c.3082del, p.Ala1028fs (NM_001282622.3, NM_001353979.2, NM_001353982.2); c.3085del, p.Ala1029fs (NM_001353978.3, NM_001353981.2, NM_001353984.2); short protein forms A962fs, A1028fs, A1029fs.
Identifiers: ClinVar variation 4091364 (VCV004091364.1).
Genomic context (GRCh38, chrX:53,195,950, plus strand): 5'-TGGGGTGGGAGTGGCAGGGTCCTCACTTGGATCTCATCAACATCAGCAATCCAGGCCCGG[GC>G]CTTAGCAAGAGCCTCCTTGAGAGCCTGGATGTTGGGCAGGTGAACAGGGATGTTTTCCGC-3'